The following is an entry in ClinVar:

NM_000179.3(MSH6):c.2853C>A (p.Leu951=)

Gene: MSH6 (mutS homolog 6; plus strand). Cytogenetic location: 2p16.3.
Variant type: single nucleotide variant.
Coding change: c.2853C>A on transcript NM_000179.3 (MANE Select); coding-DNA position 2853, C replaced by A.
Protein change: p.Leu951=; no amino-acid change (leucine 951 retained).
Molecular consequence: synonymous variant.
Genome position (GRCh38, 1-based): chr2:47,800,836, C>A. VCF-style: chr2-47800836-C-A. GRCh37 (hg19) VCF-style: chr2-48027975-C-A.
Other names: c.2463C>A, p.Leu821= (NM_001281492.2); c.1947C>A, p.Leu649= (NM_001281493.2, NM_001281494.2).
Identifiers: ClinVar variation 455221 (VCV000455221.21), dbSNP rs876658525, ClinGen allele CA426121946.
Genomic context (GRCh38, chr2:47,800,836, plus strand): 5'-AGGCTTTGACTCTGATTATGACCAAGCTCTTGCTGACATAAGAGAAAATGAACAGAGCCT[C>A]CTGGAATACCTAGAGAAACAGCGCAACAGAATTGGCTGTAGGACCATAGTCTATTGGGGG-3'
Protein context (NP_000170.1, residues 941-961): LADIRENEQS[Leu951=]LEYLEKQRNR

ClinVar aggregate classification (germline): Benign/Likely benign. Review status: criteria provided, multiple submitters, no conflicts (2 of 4 stars). 7 submissions from 7 submitters: Benign (1); Likely benign (6). Last evaluated 2025-07-16.

Conditions:
Hereditary nonpolyposis colorectal neoplasms. Identifiers: MedGen C0009405, MeSH D003123.
Hereditary cancer-predisposing syndrome. Also called: Hereditary Cancer Syndrome; Hereditary neoplastic syndrome; Neoplastic Syndromes, Hereditary; Tumor predisposition. Identifiers: Orphanet 140162, MedGen C0027672, MeSH D009386, MONDO:0015356.
Lynch syndrome. Identifiers: Orphanet 144, MedGen C4552100, MONDO:0005835. Disease mechanism: loss of function.
Lynch syndrome 5 (LYNCH5). Also called: Hereditary non-polyposis colorectal cancer, type 5; Colorectal cancer, hereditary nonpolyposis, type 5. Identifiers: Orphanet 144, MedGen C1833477, MONDO:0013710, OMIM 614350. Disease mechanism: loss of function.

Submissions (7):

Labcorp Genetics (formerly Invitae), Labcorp
Classification: Likely benign for Hereditary nonpolyposis colorectal neoplasms. Last evaluated: 2025-07-16. Review status: criteria provided, single submitter. Criteria: Invitae Variant Classification Sherloc (09022015). Collection method: clinical testing. Allele origin: germline.

Myriad Genetics, Inc.
Classification: Benign for Lynch syndrome 5. Last evaluated: 2025-01-03. Review status: criteria provided, single submitter. Criteria: Myriad Autosomal Dominant, Autosomal Recessive and X-Linked Classification Criteria (2023). Collection method: clinical testing. Allele origin: unknown.
Comment: This variant is considered benign. This variant is a silent/synonymous amino acid change and it is not expected to impact splicing.

All of Us Research Program, National Institutes of Health
Classification: Likely benign for Lynch syndrome. Last evaluated: 2023-07-10. Review status: criteria provided, single submitter. Criteria: ACMG Guidelines, 2015. Collection method: clinical testing. Allele origin: germline. Inheritance: Autosomal dominant inheritance. Observed: 1 variant allele, 1 heterozygote.
Comment: This study involves interpretation of variants in research participants for the purpose of population health screening. Participant phenotype was not available at the time of variant classification. Additional details can be found in publication PMID: 35346344, PMCID: PMC8962531

Quest Diagnostics Nichols Institute San Juan Capistrano
Classification: Likely benign. Last evaluated: 2023-01-31. Review status: criteria provided, single submitter. Criteria: Quest Diagnostics criteria. Collection method: clinical testing. Allele origin: unknown.

Sema4
Classification: Likely benign for Hereditary cancer-predisposing syndrome. Last evaluated: 2021-06-18. Review status: criteria provided, single submitter. Criteria: Sema4 Curation Guidelines. Collection method: curation. Allele origin: germline.

Color Diagnostics, LLC DBA Color Health
Classification: Likely benign for Hereditary cancer-predisposing syndrome. Last evaluated: 2020-10-20. Review status: criteria provided, single submitter. Criteria: ACMG Guidelines, 2015. Collection method: clinical testing. Allele origin: germline.

Ambry Genetics
Classification: Likely benign for Hereditary cancer-predisposing syndrome. Last evaluated: 2016-08-11. Review status: criteria provided, single submitter. Criteria: Ambry Variant Classification Scheme 2023. Collection method: clinical testing. Allele origin: germline.